The following is an entry in ClinVar:

NM_001365902.3(NFIX):c.117G>A (p.Lys39=)

Gene: NFIX (nuclear factor I X; plus strand). Cytogenetic location: 19p13.13.
Variant type: single nucleotide variant.
Coding change: c.117G>A on transcript NM_001365902.3 (MANE Select); coding-DNA position 117, G replaced by A.
Protein change: p.Lys39=; no amino-acid change (lysine 39 retained).
Molecular consequence: synonymous variant. On other transcripts: 5 prime UTR variant (1).
Genome position (GRCh38, 1-based): chr19:13,025,110, G>A. VCF-style: chr19-13025110-G-A. GRCh37 (hg19) VCF-style: chr19-13135924-G-A.
Other names: c.141G>A, p.Lys47= (NM_001271043.2); c.93G>A, p.Lys31= (NM_001271044.3, NM_001378404.1); c.117G>A, p.Lys39= (NM_001365982.2, NM_002501.4); c.-25G>A (NM_001365983.2); c.114G>A, p.Lys38= (NM_001365984.2, NM_001365985.2); c.165G>A, p.Lys55= (NM_001378405.1); c.117G>A (NM_002501.3).
Identifiers: ClinVar variation 707679 (VCV000707679.14), dbSNP rs148229471, ClinGen allele CA9236946.
Genomic context (GRCh38, chr19:13,025,110, plus strand): 5'-GCTGCCTCACGTCCGCGCTTTCTCCTACACCTGGTTCAACCTGCAGGCGCGGAAGCGCAA[G>A]TACTTCAAGAAGCATGAAAAGCGGATGTCGAAGGACGAGGAGCGGGCGGTGAAGGACGAG-3'
Protein context (NP_001352831.1, residues 29-49): TWFNLQARKR[Lys39=]YFKKHEKRMS

ClinVar aggregate classification (germline): Likely benign. Review status: criteria provided, multiple submitters, no conflicts (2 of 4 stars). 3 submissions from 3 submitters: Likely benign (2). 1 of the submissions does not count toward it. Last evaluated 2025-11-17.

Conditions:
NFIX-related disorder. Also called: NFIX-related condition.
Malan overgrowth syndrome (MALNS). Also called: Sotos syndrome 2; MALAN SYNDROME; NFIX-Related Malan Syndrome. Identifiers: Orphanet 420179, MedGen C3553660, MONDO:0013885, OMIM 614753.
Marshall-Smith syndrome (MRSHSS). Identifiers: Orphanet 561, MedGen C0265211, MONDO:0011244, OMIM 602535.

Allele frequency attached by ClinVar (database versions not stated): 1000 Genomes Project 30x 0.00016; 1000 Genomes Project 0.00020; TOPMed 0.00023; gnomAD 0.00027; gnomAD exomes 0.00030 and 0.00035; ESP Exome Variant Server 0.00031; ExAC 0.00038.
gnomAD v4.1: 482 of 1,614,244 alleles (0.03%); highest among the groups gnomAD compares: Non-Finnish European, 0.033%; no homozygotes.

Submissions (3):

Labcorp Genetics (formerly Invitae), Labcorp
Classification: Likely benign for Malan overgrowth syndrome; Marshall-Smith syndrome. Last evaluated: 2025-11-17. Review status: criteria provided, single submitter. Criteria: Invitae Variant Classification Sherloc (09022015). Collection method: clinical testing. Allele origin: germline.

Blueprint Genetics
Classification: Likely benign. Last evaluated: 2024-11-13. Review status: criteria provided, single submitter. Criteria: ACMG Guidelines, 2015. Collection method: clinical testing. Allele origin: germline.

PreventionGenetics, part of Exact Sciences
Classification: Likely benign for NFIX-related condition. Last evaluated: 2019-06-13. Review status: no assertion criteria provided. Collection method: clinical testing. Allele origin: germline. Not counted in ClinVar's aggregate classification.
Comment: This variant is classified as likely benign based on ACMG/AMP sequence variant interpretation guidelines (Richards et al. 2015 PMID: 25741868, with internal and published modifications).